The following is an entry in ClinVar:

ClinVar aggregate classification (germline): Pathogenic (1 of 4 stars; one submission).

Conditions:
Fanconi anemia (FA). Also called: Fanconi's anemia. Identifiers: Orphanet 84, MedGen C0015625, MeSH D005199, MONDO:0019391.

Submission:

Labcorp Genetics (formerly Invitae), Labcorp
Classification: Pathogenic for Fanconi anemia. Last evaluated: 2019-12-02. Review status: criteria provided, single submitter. Criteria: Invitae Variant Classification Sherloc (09022015). Collection method: clinical testing. Allele origin: germline.
Comment: This variant is an out-of-frame deletion of the genomic region encompassing exons 15-30 of the FANCA gene. This is expected to create a premature translational stop signal and result in an absent or disrupted protein product. This variant has not been reported in the literature in individuals with FANCA-related disease. Loss-of-function variants in FANCA are known to be pathogenic (PMID: 19367192). For these reasons, this variant has been classified as Pathogenic.

NC_000016.10:g.(?_89758567)_(89784974_?)del

Gene: FANCA (FA complementation group A; minus strand). Cytogenetic location: 16q24.3.
Variant type: Deletion.
Identifiers: ClinVar variation 831544 (VCV000831544.1).